The following is an entry in ClinVar:

NM_025103.4(IFT74):c.53T>C (p.Val18Ala)

Gene: IFT74 (intraflagellar transport 74; plus strand). Cytogenetic location: 9p21.2.
Variant type: single nucleotide variant.
Coding change: c.53T>C on transcript NM_025103.4 (MANE Select); coding-DNA position 53, T replaced by C.
Protein change: p.Val18Ala; replaces valine 18 with alanine.
Molecular consequence: missense variant.
Genome position (GRCh38, 1-based): chr9:26,962,020, T>C. VCF-style: chr9-26962020-T-C. GRCh37 (hg19) VCF-style: chr9-26962018-T-C.
Other names: c.53T>C, p.Val18Ala (NM_001099222.3, NM_001099223.3, NM_001099224.3 and 1 more transcripts); short protein forms V18A.
Identifiers: ClinVar variation 1355778 (VCV001355778.4), dbSNP rs1826386837, ClinGen allele CA373120114.
Genomic context (GRCh38, chr9:26,962,020, plus strand): 5'-AAGAAACAATGGCCAGCAATCACAAATCTTCAGCAGCTCGCCCTGTTTCAAGAGGTGGAG[T>C]TGGGTTAACAGGAAGGCCTCCTTCTGGGATACGACCCCTATCAGGAAATATTCGAGTGGC-3'
Protein context (NP_079379.2, residues 8-28): SAARPVSRGG[Val18Ala]GLTGRPPSGI

ClinVar aggregate classification (germline): Uncertain significance (1 of 4 stars; one submission).

Submission:

Labcorp Genetics (formerly Invitae), Labcorp
Classification: Uncertain significance. Last evaluated: 2021-11-23. Review status: criteria provided, single submitter. Criteria: Invitae Variant Classification Sherloc (09022015). Collection method: clinical testing. Allele origin: germline.
Comment: In summary, the available evidence is currently insufficient to determine the role of this variant in disease. Therefore, it has been classified as a Variant of Uncertain Significance. Algorithms developed to predict the effect of missense changes on protein structure and function (SIFT, PolyPhen-2, Align-GVGD) all suggest that this variant is likely to be tolerated. This variant has not been reported in the literature in individuals affected with IFT74-related conditions. This variant is not present in population databases (gnomAD no frequency). This sequence change replaces valine, which is neutral and non-polar, with alanine, which is neutral and non-polar, at codon 18 of the IFT74 protein (p.Val18Ala).